The following is an entry in ClinVar:

ClinVar aggregate classification (germline): Uncertain significance (1 of 4 stars; one submission).

Conditions:
Early-infantile DEE. Also called: Ohtahara syndrome; Early infantile epileptic encephalopathy with suppression bursts; Early infantile epileptic encephalopathy. Identifiers: Orphanet 1934, MedGen C0393706, MONDO:0800491.

Submission:

Labcorp Genetics (formerly Invitae), Labcorp
Classification: Uncertain significance for Early-infantile DEE. Last evaluated: 2025-01-08. Review status: criteria provided, single submitter. Criteria: Invitae Variant Classification Sherloc (09022015). Collection method: clinical testing. Allele origin: germline.
Comment: This sequence change replaces serine, which is neutral and polar, with tryptophan, which is neutral and slightly polar, at codon 10 of the HCN1 protein (p.Ser10Trp). This variant is not present in population databases (gnomAD no frequency). This variant has not been reported in the literature in individuals affected with HCN1-related conditions. Invitae Evidence Modeling of protein sequence and biophysical properties (such as structural, functional, and spatial information, amino acid conservation, physicochemical variation, residue mobility, and thermodynamic stability) has been performed for this missense variant. However, the output from this modeling did not meet the statistical confidence thresholds required to predict the impact of this variant on HCN1 protein function. In summary, the available evidence is currently insufficient to determine the role of this variant in disease. Therefore, it has been classified as a Variant of Uncertain Significance.

NM_021072.4(HCN1):c.29C>G (p.Ser10Trp)

Gene: HCN1 (hyperpolarization activated cyclic nucleotide gated potassium channel 1; minus strand). Cytogenetic location: 5p12.
Variant type: single nucleotide variant.
Coding change: c.29C>G on transcript NM_021072.4 (MANE Select); coding-DNA position 29, C replaced by G.
Protein change: p.Ser10Trp; replaces serine 10 with tryptophan.
Molecular consequence: missense variant.
Genome position (GRCh38, 1-based): chr5:45,696,065, G>C on the plus strand (C>G on the coding strand, the complement: HCN1 is on the minus strand). VCF-style: chr5-45696065-G-C. GRCh37 (hg19) VCF-style: chr5-45696167-G-C.
Other names: short protein forms S10W.
Identifiers: ClinVar variation 3674886 (VCV003674886.2).